The following is an entry in ClinVar:

ClinVar aggregate classification (germline): Likely benign. Review status: criteria provided, multiple submitters, no conflicts (2 of 4 stars). 2 submissions from 2 submitters: Likely benign (2). Last evaluated 2025-09-29.

Conditions:
Catecholaminergic polymorphic ventricular tachycardia 1. Also called: RYR2-Related Catecholaminergic Polymorphic Ventricular Tachycardia; VENTRICULAR TACHYCARDIA, CATECHOLAMINERGIC POLYMORPHIC, 1, WITH OR WITHOUT ATRIAL DYSFUNCTION AND/OR DILATED CARDIOMYOPATHY; VENTRICULAR TACHYCARDIA, STRESS-INDUCED POLYMORPHIC 1. Identifiers: Orphanet 3286, MedGen C1631597, MONDO:0011484, OMIM 604772.

Submissions (2):

Labcorp Genetics (formerly Invitae), Labcorp
Classification: Likely benign for Catecholaminergic polymorphic ventricular tachycardia 1. Last evaluated: 2025-09-29. Review status: criteria provided, single submitter. Criteria: Invitae Variant Classification Sherloc (09022015). Collection method: clinical testing. Allele origin: germline.

GeneDx
Classification: Likely benign. Last evaluated: 2017-06-13. Review status: criteria provided, single submitter. Criteria: GeneDx Variant Classification (06012015). Collection method: clinical testing. Allele origin: germline. Affected: yes.
Comment: This variant is considered likely benign or benign based on one or more of the following criteria: it is a conservative change, it occurs at a poorly conserved position in the protein, it is predicted to be benign by multiple in silico algorithms, and/or has population frequency not consistent with disease.

NM_001035.3(RYR2):c.13477-18_13477-16del

Gene: RYR2 (ryanodine receptor 2; plus strand). Cytogenetic location: 1q43.
Variant type: Deletion.
Coding change: c.13477-18_13477-16del on transcript NM_001035.3 (MANE Select); 18 bases into the intron before coding-DNA position 13477 through 16 bases into the intron before coding-DNA position 13477, 3 bases deleted (AAT; older notation c.13477-18_13477-16delAAT).
Molecular consequence: intron variant.
Genome position (GRCh38, 1-based): chr1:237,791,411-237,791,413, AAT deleted; deleting any 3 consecutive bases within chr1:237,791,409-237,791,413 gives the same sequence; the c. name uses the placement nearest the transcript's 3' end. VCF-style (leftmost placement, unchanged base first): chr1-237791408-CATA-C. GRCh37 (hg19) VCF-style: chr1-237954708-CATA-C.
Other names: c.13477-18_13477-16delAAT (NM_001035.2).
Identifiers: ClinVar variation 517921 (VCV000517921.2), dbSNP rs1553326681, ClinGen allele CA658795644.